The following is an entry in ClinVar:

ClinVar aggregate classification (germline): Pathogenic. Review status: reviewed by expert panel (3 of 4 stars). 3 submissions from 3 submitters: Pathogenic (1). 2 of the submissions do not count toward it. Last evaluated 2017-12-15.

Conditions:
Breast-ovarian cancer, familial, susceptibility to, 2 (BROVCA2). Also called: BRCA2 Hereditary Breast and Ovarian Cancer. Identifiers: Orphanet 145, MedGen C2675520, MONDO:0012933, OMIM 612555. Disease mechanism: loss of function.
BRCA2-related disorder. Also called: BRCA2-related condition; BRCA2-related disorders. Identifiers: MedGen CN239275.

Submissions (3):

Evidence-based Network for the Interpretation of Germline Mutant Alleles (ENIGMA)
Classification: Pathogenic for Breast-ovarian cancer, familial, susceptibility to, 2. Last evaluated: 2017-12-15. Review status: reviewed by expert panel. Criteria: ENIGMA BRCA1/2 Classification Criteria (2017-06-29). Collection method: curation. Allele origin: germline. Study: ENIGMA.
Comment: Variant allele predicted to encode a truncated non-functional protein.

Blueprint Genetics
Classification: Pathogenic for BRCA2-related disorders. Last evaluated: 2023-06-27. Review status: criteria provided, single submitter. Criteria: ACMG Guidelines, 2015. Collection method: clinical testing. Allele origin: germline. Affected: yes. Observed: 1 variant allele. Not counted in ClinVar's aggregate classification.

Department of Medical Genetics, Oslo University Hospital
Classification: Pathogenic for Breast-ovarian cancer, familial, susceptibility to, 2. Last evaluated: 2015-07-01. Review status: criteria provided, single submitter. Criteria: ACMG Guidelines, 2015. Collection method: clinical testing. Allele origin: germline. Affected: yes. Observed: 4 variant alleles. Not counted in ClinVar's aggregate classification.

NM_000059.4(BRCA2):c.614del (p.Ser205fs)

Gene: BRCA2 (BRCA2 DNA repair associated; plus strand). Cytogenetic location: 13q13.1.
Variant type: Deletion.
Coding change: c.614del on transcript NM_000059.4 (MANE Select); coding-DNA position 614, one base deleted (G; older notation c.614delG).
Protein change: p.Ser205fs; shifts the reading frame from serine 205.
Molecular consequence: frameshift variant.
Genome position (GRCh38, 1-based): chr13:32,326,596, G deleted. VCF-style (leftmost placement, unchanged base first): chr13-32326595-AG-A. GRCh37 (hg19) VCF-style: chr13-32900732-AG-A.
Other names: c.614delG (NM_000059.3); short protein forms S205fs.
Identifiers: ClinVar variation 440433 (VCV000440433.5), dbSNP rs1555281103, ClinGen allele CA645509357.
Genomic context (GRCh38, chr13:32,326,595, plus strand): 5'-GGAGCTGAGGTGGATCCTGATATGTCTTGGTCAAGTTCTTTAGCTACACCACCCACCCTT[AG>A]TTCTACTGTGCTCATAGGTAATAATAGCAAATGTGTATTTACAAGAAAGAGCAGATGAGG-3'